The following is an entry in ClinVar:

ClinVar aggregate classification (germline): Uncertain significance. Review status: criteria provided, multiple submitters, no conflicts (2 of 4 stars). 3 submissions from 3 submitters: Uncertain significance (2). 1 of the submissions does not count toward it. Last evaluated 2025-04-18.

Conditions:
Hereditary cancer-predisposing syndrome. Also called: Neoplastic Syndromes, Hereditary; Hereditary neoplastic syndrome; Tumor predisposition; Hereditary Cancer Syndrome. Identifiers: Orphanet 140162, MedGen C0027672, MeSH D009386, MONDO:0015356.
POLD1-related disorder. Also called: POLD1-related condition; POLD1-related disorders.
POLD1-related polyposis and colorectal cancer syndrome (CRCS10). Also called: Colorectal cancer 10; COLORECTAL CANCER, SUSCEPTIBILITY TO, ON CHROMOSOME 19q; Colorectal cancer, susceptibility to, 10. Identifiers: Orphanet 220460, MedGen C2675481, MONDO:0012953, OMIM 612591.

Allele frequency attached by ClinVar (database versions not stated): gnomAD exomes below 0.00001.
gnomAD v4.1: 1 of 1,613,570 alleles (0.000062%); highest among the groups gnomAD compares: Non-Finnish European, 0.000085%; no homozygotes.

Submissions (3):

Ambry Genetics
Classification: Uncertain significance for Hereditary cancer-predisposing syndrome. Last evaluated: 2025-04-18. Review status: criteria provided, single submitter. Criteria: Ambry Variant Classification Scheme 2023. Collection method: clinical testing. Allele origin: germline.

Labcorp Genetics (formerly Invitae), Labcorp
Classification: Uncertain significance for POLD1-related polyposis and colorectal cancer syndrome. Last evaluated: 2022-10-13. Review status: criteria provided, single submitter. Criteria: Invitae Variant Classification Sherloc (09022015). Collection method: clinical testing. Allele origin: germline.
Comment: In summary, the available evidence is currently insufficient to determine the role of this variant in disease. Therefore, it has been classified as a Variant of Uncertain Significance. Advanced modeling of protein sequence and biophysical properties (such as structural, functional, and spatial information, amino acid conservation, physicochemical variation, residue mobility, and thermodynamic stability) performed at Invitae indicates that this missense variant is not expected to disrupt POLD1 protein function. ClinVar contains an entry for this variant (Variation ID: 469233). This variant has not been reported in the literature in individuals affected with POLD1-related conditions. This variant is not present in population databases (gnomAD no frequency). This sequence change replaces alanine, which is neutral and non-polar, with threonine, which is neutral and polar, at codon 675 of the POLD1 protein (p.Ala675Thr).

PreventionGenetics, part of Exact Sciences
Classification: Uncertain significance for POLD1-related condition. Last evaluated: 2024-07-17. Review status: no assertion criteria provided. Collection method: clinical testing. Allele origin: germline. Not counted in ClinVar's aggregate classification.
Comment: The POLD1 c.2023G>A variant is predicted to result in the amino acid substitution p.Ala675Thr. To our knowledge, this variant has not been reported in the literature or in a large population database, indicating this variant is rare. This variant is interpreted as a variant of uncertain significance in ClinVar. At this time, the clinical significance of this variant is uncertain due to the absence of conclusive functional and genetic evidence.

NM_002691.4(POLD1):c.2023G>A (p.Ala675Thr)

Gene: POLD1 (DNA polymerase delta 1, catalytic subunit; plus strand). Cytogenetic location: 19q13.33.
Variant type: single nucleotide variant.
Coding change: c.2023G>A on transcript NM_002691.4 (MANE Select); coding-DNA position 2023, G replaced by A.
Protein change: p.Ala675Thr; replaces alanine 675 with threonine.
Molecular consequence: missense variant. On other transcripts: non-coding transcript variant (1).
Genome position (GRCh38, 1-based): chr19:50,409,535, G>A. VCF-style: chr19-50409535-G-A. GRCh37 (hg19) VCF-style: chr19-50912792-G-A.
Other names: c.2023G>A, p.Ala675Thr (NM_001256849.1); c.2101G>A, p.Ala701Thr (NM_001308632.1); c.2023G>A (NM_002691.2); short protein forms A701T, A675T.
Identifiers: ClinVar variation 469233 (VCV000469233.14), dbSNP rs753870000, ClinGen allele CA406982468.